The following is an entry in ClinVar:

ClinVar aggregate classification (germline): Conflicting classifications of pathogenicity. Review status: criteria provided, conflicting classifications (1 of 4 stars). 2 submissions from 2 submitters: Pathogenic (1); Uncertain significance (1). Last evaluated 2021-11-02.

Conditions:
Diffuse cerebral and cerebellar atrophy - intractable seizures - progressive microcephaly syndrome. Also called: Microcephaly, progressive, with seizures and cerebral and cerebellar atrophy. Identifiers: Orphanet 404437, MedGen C4014239, MONDO:0014335, OMIM 615760.

Allele frequency attached by ClinVar (database versions not stated): gnomAD 0.00001 and 0.00002; gnomAD exomes 0.00002; ExAC 0.00003.

Submissions (2):

Labcorp Genetics (formerly Invitae), Labcorp
Classification: Pathogenic for Diffuse cerebral and cerebellar atrophy - intractable seizures - progressive microcephaly syndrome. Last evaluated: 2021-11-02. Review status: criteria provided, single submitter. Criteria: Invitae Variant Classification Sherloc (09022015). Collection method: clinical testing. Allele origin: germline.
Comment: This sequence change creates a premature translational stop signal (p.Arg419*) in the QARS gene. It is expected to result in an absent or disrupted protein product. Loss-of-function variants in QARS are known to be pathogenic (PMID: 24656866, 25471517). This variant is present in population databases (rs769378726, gnomAD 0.02%). This variant has not been reported in the literature in individuals affected with QARS-related conditions. For these reasons, this variant has been classified as Pathogenic.

GeneDx
Classification: Uncertain significance. Last evaluated: 2021-03-05. Review status: criteria provided, single submitter. Criteria: GeneDx Variant Classification Process June 2021. Collection method: clinical testing. Allele origin: germline. Affected: yes.
Comment: Nonsense variant predicted to result in protein truncation or nonsense mediated decay in a gene for which loss-of-function is a known mechanism of disease; Has not been previously published as pathogenic or benign to our knowledge

Literature cited by the submitters: PubMed 24656866 (cited by Labcorp Genetics (formerly Invitae), Labcorp); PubMed 25471517 (cited by Labcorp Genetics (formerly Invitae), Labcorp).

NM_005051.3(QARS1):c.1255C>T (p.Arg419Ter)

Gene: QARS1 (glutaminyl-tRNA synthetase 1; minus strand). Cytogenetic location: 3p21.31.
Variant type: single nucleotide variant.
Coding change: c.1255C>T on transcript NM_005051.3 (MANE Select); coding-DNA position 1255, C replaced by T.
Protein change: p.Arg419Ter; replaces arginine 419 with a stop codon.
Molecular consequence: nonsense. On other transcripts: non-coding transcript variant (1).
Genome position (GRCh38, 1-based): chr3:49,100,001, G>A on the plus strand (C>T on the coding strand, the complement: QARS1 is on the minus strand). VCF-style: chr3-49100001-G-A. GRCh37 (hg19) VCF-style: chr3-49137434-G-A.
Other names: c.1222C>T, p.Arg408Ter (NM_001272073.2); short protein forms R408*, R419*.
Identifiers: ClinVar variation 1314153 (VCV001314153.8), dbSNP rs769378726, ClinGen allele CA2391837.